The following is an entry in ClinVar:

ClinVar aggregate classification (germline): Uncertain significance (1 of 4 stars; one submission).

Conditions:
Fibrous dysplasia of jaw (CRBM). Also called: Cherubism. Identifiers: Orphanet 184, MedGen C0008029, MONDO:0007315, OMIM 118400.

Submission:

Labcorp Genetics (formerly Invitae), Labcorp
Classification: Uncertain significance for Fibrous dysplasia of jaw. Last evaluated: 2024-08-02. Review status: criteria provided, single submitter. Criteria: Invitae Variant Classification Sherloc (09022015). Collection method: clinical testing. Allele origin: germline.
Comment: This sequence change replaces glycine, which is neutral and non-polar, with alanine, which is neutral and non-polar, at codon 130 of the SH3BP2 protein (p.Gly130Ala). This variant is not present in population databases (gnomAD no frequency). This variant has not been reported in the literature in individuals affected with SH3BP2-related conditions. Advanced modeling of protein sequence and biophysical properties (such as structural, functional, and spatial information, amino acid conservation, physicochemical variation, residue mobility, and thermodynamic stability) performed at Invitae indicates that this missense variant is not expected to disrupt SH3BP2 protein function with a negative predictive value of 80%. In summary, the available evidence is currently insufficient to determine the role of this variant in disease. Therefore, it has been classified as a Variant of Uncertain Significance.

NM_001122681.2(SH3BP2):c.389G>C (p.Gly130Ala)

Gene: SH3BP2 (SH3 domain binding protein 2; plus strand). Cytogenetic location: 4p16.3.
Variant type: single nucleotide variant.
Coding change: c.389G>C on transcript NM_001122681.2 (MANE Select); coding-DNA position 389, G replaced by C.
Protein change: p.Gly130Ala; replaces glycine 130 with alanine.
Molecular consequence: missense variant.
Genome position (GRCh38, 1-based): chr4:2,825,157, G>C. VCF-style: chr4-2825157-G-C. GRCh37 (hg19) VCF-style: chr4-2826884-G-C.
Other names: c.473G>C, p.Gly158Ala (NM_001145855.2); c.560G>C, p.Gly187Ala (NM_001145856.2); c.389G>C, p.Gly130Ala (NM_003023.4); short protein forms G130A, G158A, G187A.
Identifiers: ClinVar variation 3661260 (VCV003661260.2).